The following is an entry in ClinVar:

NM_001048174.2(MUTYH):c.1406A>G (p.Tyr469Cys)

Gene: MUTYH (mutY DNA glycosylase; minus strand). Cytogenetic location: 1p34.1.
Variant type: single nucleotide variant.
Coding change: c.1406A>G on transcript NM_001048174.2 (MANE Select); coding-DNA position 1406, A replaced by G.
Protein change: p.Tyr469Cys; replaces tyrosine 469 with cysteine.
Molecular consequence: missense variant. On other transcripts: non-coding transcript variant (2).
Genome position (GRCh38, 1-based): chr1:45,330,544, T>C on the plus strand (A>G on the coding strand, the complement: MUTYH is on the minus strand). VCF-style: chr1-45330544-T-C. GRCh37 (hg19) VCF-style: chr1-45796216-T-C.
Other names: c.1406A>G, p.Tyr469Cys (NM_001048171.2, NM_001048173.2, NM_001293195.2); c.1409A>G, p.Tyr470Cys (NM_001048172.2); c.1490A>G, p.Tyr497Cys (NM_001128425.2); c.1451A>G, p.Tyr484Cys (NM_001293190.2); c.1439A>G, p.Tyr480Cys (NM_001293191.2); c.1130A>G, p.Tyr377Cys (NM_001293192.2, NM_001293196.2); c.1061A>G, p.Tyr354Cys (NM_001350650.2, NM_001350651.2); c.1481A>G, p.Tyr494Cys (NM_012222.3); short protein forms Y494C, Y354C, Y484C, Y377C, Y470C, Y480C, Y497C, Y469C.
Identifiers: ClinVar variation 1521472 (VCV001521472.10), dbSNP rs2149103640, ClinGen allele CA340132382.

ClinVar aggregate classification (germline): Conflicting classifications of pathogenicity. Review status: criteria provided, conflicting classifications (1 of 4 stars). 3 submissions from 3 submitters: Uncertain significance (2); Likely benign (1). Last evaluated 2025-09-09.

Conditions:
Hereditary cancer-predisposing syndrome. Also called: Tumor predisposition; Neoplastic Syndromes, Hereditary; Hereditary Cancer Syndrome; Hereditary neoplastic syndrome. Identifiers: Orphanet 140162, MedGen C0027672, MeSH D009386, MONDO:0015356.
Familial adenomatous polyposis 2. Also called: COLORECTAL ADENOMATOUS POLYPOSIS, AUTOSOMAL RECESSIVE; ADENOMAS, MULTIPLE COLORECTAL, AUTOSOMAL RECESSIVE; MUTYH-associated polyposis; MUTYH-related attenuated familial adenomatous polyposis; MYH-associated polyposis; MUTYH Polyposis. Identifiers: Orphanet 220460, Orphanet 247798, MedGen C3272841, MONDO:0012041, OMIM 608456.
Gastric cancer. Also called: Stomach cancer; Malignant tumor of stomach. Identifiers: MedGen C0024623, MeSH D013274, MONDO:0001056, OMIM 613659, HP:0012126.

gnomAD v4.1: 1 of 1,609,532 alleles (0.000062%); highest among the groups gnomAD compares: East Asian, 0.0022%; no homozygotes.

Submissions (3):

Ambry Genetics
Classification: Likely benign for Hereditary cancer-predisposing syndrome. Last evaluated: 2025-09-09. Review status: criteria provided, single submitter. Criteria: Ambry Variant Classification Scheme 2023. Collection method: clinical testing. Allele origin: germline.

Fulgent Genetics
Classification: Uncertain significance for Familial adenomatous polyposis 2; Gastric cancer. Last evaluated: 2024-01-02. Review status: criteria provided, single submitter. Criteria: ACMG Guidelines, 2015. Collection method: clinical testing. Allele origin: germline.

Labcorp Genetics (formerly Invitae), Labcorp
Classification: Uncertain significance for Familial adenomatous polyposis 2. Last evaluated: 2021-10-18. Review status: criteria provided, single submitter. Criteria: Invitae Variant Classification Sherloc (09022015). Collection method: clinical testing. Allele origin: germline.
Comment: In summary, the available evidence is currently insufficient to determine the role of this variant in disease. Therefore, it has been classified as a Variant of Uncertain Significance. Algorithms developed to predict the effect of missense changes on protein structure and function are either unavailable or do not agree on the potential impact of this missense change (SIFT: "Deleterious"; PolyPhen-2: "Benign"; Align-GVGD: "Class C15"). This variant has not been reported in the literature in individuals affected with MUTYH-related conditions. This variant is not present in population databases (ExAC no frequency). This sequence change replaces tyrosine with cysteine at codon 497 of the MUTYH protein (p.Tyr497Cys). The tyrosine residue is highly conserved and there is a large physicochemical difference between tyrosine and cysteine.